The following is an entry in ClinVar:

NM_000548.5(TSC2):c.975+5G>A

Gene: TSC2 (TSC complex subunit 2; plus strand). Cytogenetic location: 16p13.3.
Variant type: single nucleotide variant.
Coding change: c.975+5G>A on transcript NM_000548.5 (MANE Select); 5 bases into the intron after coding-DNA position 975, G replaced by A.
Molecular consequence: intron variant.
Genome position (GRCh38, 1-based): chr16:2,058,878, G>A. VCF-style: chr16-2058878-G-A. GRCh37 (hg19) VCF-style: chr16-2108879-G-A.
Other names: c.975+5G>A (NM_001114382.3, NM_021055.3, NM_001370405.1 and 3 more transcripts); c.864+5G>A (NM_001318827.2); c.375+5G>A (NM_001318831.2); c.828+5G>A (NM_001318829.2); c.1008+5G>A (NM_001318832.2).
Identifiers: ClinVar variation 1768081 (VCV001768081.6), dbSNP rs45458600, ClinGen allele CA2580090667.

ClinVar aggregate classification (germline): Uncertain significance. Review status: criteria provided, multiple submitters, no conflicts (2 of 4 stars). 2 submissions from 2 submitters: Uncertain significance (2). Last evaluated 2024-11-13.

Conditions:
Hereditary cancer-predisposing syndrome. Also called: Tumor predisposition; Neoplastic Syndromes, Hereditary; Hereditary Cancer Syndrome; Hereditary neoplastic syndrome. Identifiers: Orphanet 140162, MedGen C0027672, MeSH D009386, MONDO:0015356.
Tuberous sclerosis 2 (TSC2). Identifiers: Orphanet 805, MedGen C1860707, MONDO:0013199, OMIM 613254.

Submissions (2):

Ambry Genetics
Classification: Uncertain significance for Hereditary cancer-predisposing syndrome. Last evaluated: 2024-11-13. Review status: criteria provided, single submitter. Criteria: Ambry Variant Classification Scheme 2023. Collection method: clinical testing. Allele origin: germline.
Comment: The c.975+5G>A intronic variant results from a G to A substitution 5 nucleotides after coding exon 9 in the TSC2 gene. This nucleotide position is poorly conserved in available vertebrate species. In silico splice site analysis predicts that this alteration will not have any significant effect on splicing; however, direct evidence is insufficient at this time (Ambry internal data). Based on the available evidence, the clinical significance of this variant remains unclear.

Labcorp Genetics (formerly Invitae), Labcorp
Classification: Uncertain significance for Tuberous sclerosis 2. Last evaluated: 2023-07-19. Review status: criteria provided, single submitter. Criteria: Invitae Variant Classification Sherloc (09022015). Collection method: clinical testing. Allele origin: germline.
Comment: Variants that disrupt the consensus splice site are a relatively common cause of aberrant splicing (PMID: 17576681, 9536098). Algorithms developed to predict the effect of sequence changes on RNA splicing suggest that this variant is not likely to affect RNA splicing. In summary, the available evidence is currently insufficient to determine the role of this variant in disease. Therefore, it has been classified as a Variant of Uncertain Significance. ClinVar contains an entry for this variant (Variation ID: 1768081). This variant has not been reported in the literature in individuals affected with TSC2-related conditions. This variant is not present in population databases (gnomAD no frequency). This sequence change falls in intron 10 of the TSC2 gene. It does not directly change the encoded amino acid sequence of the TSC2 protein. It affects a nucleotide within the consensus splice site.

Literature cited by the submitters: PubMed 17576681 (cited by Labcorp Genetics (formerly Invitae), Labcorp); PubMed 9536098 (cited by Labcorp Genetics (formerly Invitae), Labcorp).